The following is an entry in ClinVar:

ClinVar aggregate classification (germline): Likely benign (1 of 4 stars; one submission).

gnomAD v4.1: 1 of 1,613,884 alleles (0.000062%); highest among the groups gnomAD compares: Non-Finnish European, 0.000085%; no homozygotes.

Submission:

CeGaT Center for Human Genetics Tuebingen
Classification: Likely benign. Last evaluated: 2022-05-01. Review status: criteria provided, single submitter. Criteria: CeGaT Center For Human Genetics Tuebingen Variant Classification Criteria Version 2. Collection method: clinical testing. Allele origin: germline. Affected: yes. Observed: 1 variant allele.
Comment: MYH14: BP4

NM_001145809.2(MYH14):c.1038C>A (p.Pro346=)

Gene: MYH14 (myosin heavy chain 14; plus strand). Cytogenetic location: 19q13.33.
Variant type: single nucleotide variant.
Coding change: c.1038C>A on transcript NM_001145809.2 (MANE Select); coding-DNA position 1038, C replaced by A.
Protein change: p.Pro346=; no amino-acid change (proline 346 retained).
Molecular consequence: synonymous variant.
Genome position (GRCh38, 1-based): chr19:50,231,994, C>A. VCF-style: chr19-50231994-C-A. GRCh37 (hg19) VCF-style: chr19-50735251-C-A.
Other names: c.1038C>A, p.Pro346= (NM_001077186.2); c.1014C>A, p.Pro338= (NM_024729.4).
Identifiers: ClinVar variation 2650304 (VCV002650304.24), dbSNP rs555327826, ClinGen allele CA508176358.